The following is an entry in ClinVar:

NM_015001.3(SPEN):c.9509C>T (p.Thr3170Ile)

Gene: SPEN (spen family transcriptional repressor; plus strand). Cytogenetic location: 1p36.13.
Variant type: single nucleotide variant.
Coding change: c.9509C>T on transcript NM_015001.3 (MANE Select); coding-DNA position 9509, C replaced by T.
Protein change: p.Thr3170Ile; replaces threonine 3170 with isoleucine.
Molecular consequence: missense variant.
Genome position (GRCh38, 1-based): chr1:15,935,749, C>T. VCF-style: chr1-15935749-C-T. GRCh37 (hg19) VCF-style: chr1-16262244-C-T.
Other names: short protein forms T3170I.
Identifiers: ClinVar variation 2309704 (VCV002309704.3), dbSNP rs2523095820, ClinGen allele CA338657720.

ClinVar aggregate classification (germline): Conflicting classifications of pathogenicity. Review status: criteria provided, conflicting classifications (1 of 4 stars). 2 submissions from 2 submitters: Uncertain significance (1); Likely benign (1). Last evaluated 2026-08-01.

Conditions:
Inborn genetic diseases. Identifiers: MedGen C0950123, MeSH D030342.

Allele frequency attached by ClinVar (database versions not stated): gnomAD exomes 0.00001.
gnomAD v4.1: 8 of 1,613,646 alleles (0.0005%); highest among the groups gnomAD compares: Non-Finnish European, 0.00068%; no homozygotes.

Submissions (2):

CeGaT Center for Human Genetics Tuebingen
Classification: Likely benign. Last evaluated: 2026-08-01. Review status: criteria provided, single submitter. Criteria: CeGaT Center For Human Genetics Tuebingen Variant Classification Criteria Version 2. Collection method: clinical testing. Allele origin: germline. Affected: yes. Observed: 1 variant allele.
Comment: SPEN: BP4

Ambry Genetics
Classification: Uncertain significance for Inborn genetic diseases. Last evaluated: 2022-08-30. Review status: criteria provided, single submitter. Criteria: Ambry Variant Classification Scheme 2023. Collection method: clinical testing. Allele origin: germline.
Comment: The c.9509C>T (p.T3170I) alteration is located in exon 11 (coding exon 11) of the SPEN gene. This alteration results from a C to T substitution at nucleotide position 9509, causing the threonine (T) at amino acid position 3170 to be replaced by an isoleucine (I). This variant was not reported in population-based cohorts in the Genome Aggregation Database (gnomAD). This amino acid position is poorly conserved in available vertebrate species. This alteration is predicted to be tolerated by in silico analysis. Based on insufficient or conflicting evidence, the clinical significance of this alteration remains unclear.